The following is an entry in ClinVar:

NM_004168.4(SDHA):c.1673G>C (p.Trp558Ser)

Gene: SDHA (succinate dehydrogenase complex flavoprotein subunit A; plus strand). Cytogenetic location: 5p15.33.
Variant type: single nucleotide variant.
Coding change: c.1673G>C on transcript NM_004168.4 (MANE Select); coding-DNA position 1673, G replaced by C.
Protein change: p.Trp558Ser; replaces tryptophan 558 with serine.
Molecular consequence: missense variant. On other transcripts: intron variant (1).
Genome position (GRCh38, 1-based): chr5:251,347, G>C. VCF-style: chr5-251347-G-C. GRCh37 (hg19) VCF-style: chr5-251462-G-C.
Other names: c.1529G>C, p.Trp510Ser (NM_001294332.2); c.1552-3046G>C (NM_001330758.2); short protein forms W558S, W510S.
Identifiers: ClinVar variation 4789771 (VCV004789771.1).
Genomic context (GRCh38, chr5:251,347, plus strand): 5'-CCCATGTGACTGGGTCCCGCCTGCCCCTGATGGAACTTTTTGTGTCCCCAGGAATGGTCT[G>C]GAACACGGACCTGGTGGAGACCCTGGAGCTGCAGAACCTGATGCTGTGTGCGCTGCAGAC-3'
Protein context (NP_004159.2, residues 548-568): HLKTFDRGMV[Trp558Ser]NTDLVETLEL

ClinVar aggregate classification (germline): Uncertain significance (1 of 4 stars; one submission).

Conditions:
Mitochondrial complex II deficiency, nuclear type 1. Also called: SUCCINATE CoQ REDUCTASE DEFICIENCY. Identifiers: Orphanet 3208, MedGen C5700310, MONDO:0100294, OMIM 252011.
Pheochromocytoma/paraganglioma syndrome 5. Also called: Paragangliomas 5; SDHA-Related Hereditary Paraganglioma-Pheochromocytoma Syndrome. Identifiers: Orphanet 29072, MedGen C3279992, MONDO:0013602, OMIM 614165.

Submission:

Labcorp Genetics (formerly Invitae), Labcorp
Classification: Uncertain significance for Pheochromocytoma/paraganglioma syndrome 5; Mitochondrial complex II deficiency, nuclear type 1. Last evaluated: 2025-05-07. Review status: criteria provided, single submitter. Criteria: Invitae Variant Classification Sherloc (09022015). Collection method: clinical testing. Allele origin: germline.
Comment: This sequence change replaces tryptophan, which is neutral and slightly polar, with serine, which is neutral and polar, at codon 558 of the SDHA protein (p.Trp558Ser). This variant is not present in population databases (gnomAD no frequency). This variant has not been reported in the literature in individuals affected with SDHA-related conditions. Invitae Evidence Modeling of protein sequence and biophysical properties (such as structural, functional, and spatial information, amino acid conservation, physicochemical variation, residue mobility, and thermodynamic stability) indicates that this missense variant is expected to disrupt SDHA protein function with a positive predictive value of 80%. In summary, the available evidence is currently insufficient to determine the role of this variant in disease. Therefore, it has been classified as a Variant of Uncertain Significance.